The following is an entry in ClinVar:

NM_201384.3(PLEC):c.6223G>A (p.Val2075Met)

Gene: PLEC (plectin; minus strand). Cytogenetic location: 8q24.3.
Variant type: single nucleotide variant.
Coding change: c.6223G>A on transcript NM_201384.3 (MANE Select); coding-DNA position 6223, G replaced by A.
Protein change: p.Val2075Met; replaces valine 2075 with methionine.
Molecular consequence: missense variant.
Genome position (GRCh38, 1-based): chr8:143,923,706, C>T on the plus strand (G>A on the coding strand, the complement: PLEC is on the minus strand). VCF-style: chr8-143923706-C-T. GRCh37 (hg19) VCF-style: chr8-144997874-C-T.
Other names: c.6304G>A, p.Val2102Met (NM_000445.5); c.6181G>A, p.Val2061Met (NM_201378.4); c.6157G>A, p.Val2053Met (NM_201379.3); c.6634G>A, p.Val2212Met (NM_201380.4); c.6127G>A, p.Val2043Met (NM_201381.3); c.6223G>A, p.Val2075Met (NM_201382.4); c.6235G>A, p.Val2079Met (NM_201383.3); short protein forms V2102M, V2043M, V2075M, V2061M, V2079M, V2053M, V2212M.
Identifiers: ClinVar variation 962717 (VCV000962717.9), dbSNP rs782650726, ClinGen allele CA4926076.
Genomic context (GRCh38, chr8:143,923,706, plus strand): 5'-CCTCCGCCTCCTCAGCCGCCCGCCGGGCCGCCTCCGCCTCGCCGCGCAGCTGGTCCAGCA[C>T]GCTCTGCTCCTGCTGCAGCGTCTGCTGTAGCTCCTGCTCCTTCTGCTGCACCGCGAAGGC-3'
Protein context (NP_958786.1, residues 2065-2085): LQQTLQQEQS[Val2075Met]LDQLRGEAEA

ClinVar aggregate classification (germline): Uncertain significance. Review status: criteria provided, multiple submitters, no conflicts (2 of 4 stars). 3 submissions from 3 submitters: Uncertain significance (3). Last evaluated 2026-07-21.

Conditions:
PLEC-related disorder. Also called: PLEC-related disorders; PLEC-related condition.
Epidermolysis bullosa simplex, Ogna type (EBS5A). Also called: Pidermolysis bullosa simplex 5A, Ogna type; EPIDERMOLYSIS BULLOSA SIMPLEX 5A, OGNA TYPE. Identifiers: Orphanet 79401, MedGen C0432317, MONDO:0007555, OMIM 131950.
Epidermolysis bullosa simplex 5B, with muscular dystrophy (EBS5B). Also called: Epidermolysis bullosa simplex with muscular dystrophy; EPIDERMOLYSIS BULLOSA SIMPLEX AND LIMB-GIRDLE MUSCULAR DYSTROPHY. Identifiers: Orphanet 257, MedGen C2931072, MONDO:0009181, OMIM 226670.
Epidermolysis bullosa simplex with nail dystrophy (EBS5D). Identifiers: MedGen C4225309, MONDO:0014661, OMIM 616487.
Autosomal recessive limb-girdle muscular dystrophy type 2Q (LGMDR17). Also called: MUSCULAR DYSTROPHY, LIMB-GIRDLE, AUTOSOMAL RECESSIVE 17. Identifiers: Orphanet 254361, MedGen C3150989, MONDO:0013390, OMIM 613723.
Epidermolysis bullosa simplex 5C, with pyloric atresia (EBS5C). Also called: PLEC-Related Epidermolysis Bullosa with Pyloric Atresia; Epidermolysis bullosa simplex with pyloric atresia; PLEC1-Related Epidermolysis Bullosa with Pyloric Atresia. Identifiers: Orphanet 158684, MedGen C2677349, MONDO:0012807, OMIM 612138.

Allele frequency attached by ClinVar (database versions not stated): gnomAD exomes 0.00001; TOPMed 0.00003; gnomAD 0.00004 and 0.00005; ExAC 0.00005; 1000 Genomes Project 30x 0.00016.
gnomAD v4.1: 47 of 1,545,160 alleles (0.003%); highest among the groups gnomAD compares: Middle Eastern, 0.017%; no homozygotes.

Submissions (3):

PreventionGenetics, part of Exact Sciences
Classification: Uncertain significance for PLEC-related condition. Last evaluated: 2026-07-21. Review status: criteria provided, single submitter. Criteria: ACMG Guidelines, 2015. Collection method: clinical testing. Allele origin: germline.
Comment: The PLEC c.6304G>A variant is predicted to result in the amino acid substitution p.Val2102Met. To our knowledge, this variant has not been reported in the literature. This variant is reported in 0.0078% of alleles in individuals of East Asian descent in gnomAD. At this time, the clinical significance of this variant is uncertain due to the absence of conclusive functional and genetic evidence.

Labcorp Genetics (formerly Invitae), Labcorp
Classification: Uncertain significance for Autosomal recessive limb-girdle muscular dystrophy type 2Q; Epidermolysis bullosa simplex, Ogna type; Epidermolysis bullosa simplex with nail dystrophy; Epidermolysis bullosa simplex 5C, with pyloric atresia; Epidermolysis bullosa simplex 5B, with muscular dystrophy. Last evaluated: 2025-10-06. Review status: criteria provided, single submitter. Criteria: Invitae Variant Classification Sherloc (09022015). Collection method: clinical testing. Allele origin: germline.
Comment: This sequence change replaces valine, which is neutral and non-polar, with methionine, which is neutral and non-polar, at codon 2102 of the PLEC protein (p.Val2102Met). This variant is present in population databases (rs782650726, gnomAD 0.008%). This variant has not been reported in the literature in individuals affected with PLEC-related conditions. ClinVar contains an entry for this variant (Variation ID: 962717). An algorithm developed to predict the effect of missense changes on protein structure and function outputs the following: PolyPhen-2: "Possibly Damaging". The methionine amino acid residue is found in multiple mammalian species, which suggests that this missense change does not adversely affect protein function. In summary, the available evidence is currently insufficient to determine the role of this variant in disease. Therefore, it has been classified as a Variant of Uncertain Significance.

Revvity Omics, Revvity
Classification: Uncertain significance. Last evaluated: 2023-09-01. Review status: criteria provided, single submitter. Criteria: ACMG Guidelines, 2015. Collection method: clinical testing. Allele origin: germline.